The following is an entry in ClinVar:

ClinVar aggregate classification (germline): Uncertain significance (1 of 4 stars; one submission).

Conditions:
Immunodeficiency 39 (IMD39). Identifiers: Orphanet 574918, MedGen C4225358, MONDO:0014597, OMIM 616345.

Submission:

Labcorp Genetics (formerly Invitae), Labcorp
Classification: Uncertain significance for Immunodeficiency 39. Last evaluated: 2024-05-11. Review status: criteria provided, single submitter. Criteria: Invitae Variant Classification Sherloc (09022015). Collection method: clinical testing. Allele origin: germline.
Comment: This sequence change falls in intron 8 of the IRF7 gene. It does not directly change the encoded amino acid sequence of the IRF7 protein. This variant is not present in population databases (gnomAD no frequency). This variant has not been reported in the literature in individuals affected with IRF7-related conditions. Experimental studies and prediction algorithms are not available or were not evaluated, and the effect of this variant on mRNA splicing is currently unknown. In summary, the available evidence is currently insufficient to determine the role of this variant in disease. Therefore, it has been classified as a Variant of Uncertain Significance.

NM_001572.5(IRF7):c.1357-32_1357-15dup

Gene: IRF7 (interferon regulatory factor 7; minus strand). Cytogenetic location: 11p15.5.
Variant type: Duplication.
Coding change: c.1357-32_1357-15dup on transcript NM_001572.5 (MANE Select); 32 bases into the intron before coding-DNA position 1357 through 15 bases into the intron before coding-DNA position 1357, 18 bases duplicated (GTCACTGACAGACGCCCG).
Molecular consequence: intron variant.
Genome position (GRCh38, 1-based): chr11:612,815-612,832, CGGGCGTCTGTCAGTGAC duplicated on the plus strand (GTCACTGACAGACGCCCG on the coding strand, the reverse complement: IRF7 is on the minus strand); duplicating any 18 consecutive bases within chr11:612,815-612,833 gives the same sequence; the c. name uses the placement nearest the transcript's 3' end. VCF-style (leftmost placement, unchanged base first): chr11-612814-T-TCGGGCGTCTGTCAGTGAC. GRCh37 (hg19) VCF-style: chr11-612814-T-TCGGGCGTCTGTCAGTGAC.
Other names: c.1270-32_1270-15dup (NM_004029.4); c.1396-32_1396-15dup (NM_004031.4).
Identifiers: ClinVar variation 3622984 (VCV003622984.2).